The following is an entry in ClinVar:

NM_213595.4(ISCU):c.27G>T (p.Leu9=)

Gene: ISCU (iron-sulfur cluster assembly enzyme; plus strand). Cytogenetic location: 12q23.3.
Variant type: single nucleotide variant.
Coding change: c.27G>T on transcript NM_213595.4 (MANE Select); coding-DNA position 27, G replaced by T.
Protein change: p.Leu9=; no amino-acid change (leucine 9 retained).
Molecular consequence: synonymous variant. On other transcripts: 5 prime UTR variant (1), non-coding transcript variant (1).
Genome position (GRCh38, 1-based): chr12:108,562,649, G>T. VCF-style: chr12-108562649-G-T. GRCh37 (hg19) VCF-style: chr12-108956425-G-T.
Other names: p.L9L:CTG>CTT; p.Leu9=; c.27G>T, p.Leu9= (NM_001301140.1, NM_001301141.1, NM_001320042.1); c.-145G>T (NM_014301.4); c.27G>T (NM_213595.3).
Identifiers: ClinVar variation 137593 (VCV000137593.11), dbSNP rs11837563, ClinGen allele CA291251.

ClinVar aggregate classification (germline): Benign. Review status: criteria provided, multiple submitters, no conflicts (2 of 4 stars). 4 submissions from 4 submitters: Benign (4). Last evaluated 2026-02-04.

Allele frequency attached by ClinVar (database versions not stated): ESP Exome Variant Server 0.02109; gnomAD 0.02615; 1000 Genomes Project 0.02815; 1000 Genomes Project 30x 0.02920; TOPMed 0.02963.
gnomAD v4.1: 7,264 of 1,461,504 alleles (0.5%); highest among the groups gnomAD compares: African/African-American, 9.6%; 354 homozygotes.

Submissions (4):

Labcorp Genetics (formerly Invitae), Labcorp
Classification: Benign. Last evaluated: 2026-02-04. Review status: criteria provided, single submitter. Criteria: Invitae Variant Classification Sherloc (09022015). Collection method: clinical testing. Allele origin: germline.

Mayo Clinic Laboratories, Mayo Clinic
Classification: Benign. Last evaluated: 2023-02-18. Review status: criteria provided, single submitter. Criteria: ACMG Guidelines, 2015. Collection method: clinical testing. Allele origin: germline. Observed: 34 variant alleles.

GeneDx
Classification: Benign. Last evaluated: 2012-05-18. Review status: criteria provided, single submitter. Criteria: GeneDx Variant Classification (06012015). Collection method: clinical testing. Allele origin: germline. Affected: yes.
Comment: This variant is considered likely benign or benign based on one or more of the following criteria: it is a conservative change, it occurs at a poorly conserved position in the protein, it is predicted to be benign by multiple in silico algorithms, and/or has population frequency not consistent with disease.

Breakthrough Genomics
Classification: Benign. Review status: criteria provided, single submitter. Criteria: ACMG Guidelines, 2015. Collection method: not provided. Allele origin: germline. Inheritance: Autosomal recessive inheritance. Affected: yes.